The following is an entry in ClinVar:

ClinVar aggregate classification (germline): Uncertain significance. Review status: criteria provided, multiple submitters, no conflicts (2 of 4 stars). 3 submissions from 3 submitters: Uncertain significance (3). Last evaluated 2025-11-10.

Conditions:
Hereditary cancer-predisposing syndrome. Also called: Hereditary neoplastic syndrome; Tumor predisposition; Neoplastic Syndromes, Hereditary; Hereditary Cancer Syndrome. Identifiers: Orphanet 140162, MedGen C0027672, MeSH D009386, MONDO:0015356.
Familial cancer of breast. Also called: hereditary breast carcinoma; Hereditary breast cancer; BREAST CANCER, FAMILIAL. Identifiers: Orphanet 227535, MedGen C0346153, MONDO:0016419, OMIM 114480. Disease mechanism: loss of function.

Allele frequency attached by ClinVar (database versions not stated): TOPMed below 0.00001.

Submissions (3):

Labcorp Genetics (formerly Invitae), Labcorp
Classification: Uncertain significance for Familial cancer of breast. Last evaluated: 2025-11-10. Review status: criteria provided, single submitter. Criteria: Invitae Variant Classification Sherloc (09022015). Collection method: clinical testing. Allele origin: germline.
Comment: This sequence change replaces aspartic acid, which is acidic and polar, with glycine, which is neutral and non-polar, at codon 111 of the CHEK2 protein (p.Asp111Gly). This variant is not present in population databases (gnomAD no frequency). This variant has not been reported in the literature in individuals affected with CHEK2-related conditions. ClinVar contains an entry for this variant (Variation ID: 955668). An algorithm developed to predict the effect of missense changes on protein structure and function (PolyPhen-2) suggests that this variant is likely to be disruptive. In summary, the available evidence is currently insufficient to determine the role of this variant in disease. Therefore, it has been classified as a Variant of Uncertain Significance.

Ambry Genetics
Classification: Uncertain significance for Hereditary cancer-predisposing syndrome. Last evaluated: 2025-03-03. Review status: criteria provided, single submitter. Criteria: Ambry Variant Classification Scheme 2023. Collection method: clinical testing. Allele origin: germline.
Comment: The p.D111G variant (also known as c.332A>G), located in coding exon 2 of the CHEK2 gene, results from an A to G substitution at nucleotide position 332. The aspartic acid at codon 111 is replaced by glycine, an amino acid with similar properties. This variant was detected in 1/1054 Hispanic BRCA1/2-negative probands with hereditary breast cancer and 0/1189 controls (Weitzel JN et al. Cancer, 2019 Aug;125:2829-2836). This amino acid position is well conserved in available vertebrate species. In addition, the in silico prediction for this alteration is inconclusive. Based on the available evidence, the clinical significance of this variant remains unclear.

Sema4
Classification: Uncertain significance for Hereditary cancer-predisposing syndrome. Last evaluated: 2022-01-25. Review status: criteria provided, single submitter. Criteria: Sema4 Curation Guidelines. Collection method: curation. Allele origin: germline.
Comment: The CHEK2 c.332A>G (p.D111G) variant has not been reported in the literature to our knowledge. It was not observed in the large and broad cohorts of the Genome Aggregation Database (PMID: 32461654). This variant has been reported in ClinVar (Variation ID 955668). In silico tools suggest the impact of the variant on protein function is deleterious, though these predictions have not been confirmed by functional studies. The evidence is insufficient to meet ACMG/AMP criteria for classifying the variant as benign or pathogenic. Thus, the clinical significance of this variant is currently uncertain.

Literature cited by the submitters: PubMed 31206626 (cited by Ambry Genetics).

NM_007194.4(CHEK2):c.332A>G (p.Asp111Gly)

Gene: CHEK2 (checkpoint kinase 2; minus strand). Cytogenetic location: 22q12.1.
Variant type: single nucleotide variant.
Coding change: c.332A>G on transcript NM_007194.4 (MANE Select); coding-DNA position 332, A replaced by G.
Protein change: p.Asp111Gly; replaces aspartic acid 111 with glycine.
Molecular consequence: missense variant.
Genome position (GRCh38, 1-based): chr22:28,725,355, T>C on the plus strand (A>G on the coding strand, the complement: CHEK2 is on the minus strand). VCF-style: chr22-28725355-T-C. GRCh37 (hg19) VCF-style: chr22-29121343-T-C.
Other names: c.461A>G, p.Asp154Gly (NM_001005735.3); c.-446A>G (NM_001257387.3); c.332A>G, p.Asp111Gly (NM_001349956.3, NM_145862.3); short protein forms D111G, D154G.
Identifiers: ClinVar variation 955668 (VCV000955668.12), dbSNP rs2053966685, ClinGen allele CA411108254.